The following is an entry in ClinVar:

ClinVar aggregate classification (germline): Likely pathogenic (1 of 4 stars; one submission).

Conditions:
Familial cancer of breast. Also called: hereditary breast carcinoma; Hereditary breast cancer; BREAST CANCER, FAMILIAL. Identifiers: Orphanet 227535, MedGen C0346153, MONDO:0016419, OMIM 114480. Disease mechanism: loss of function.
Fanconi anemia complementation group J. Also called: BRIP1-Related Fanconi Anemia. Identifiers: Orphanet 84, MedGen C1836860, MONDO:0012187, OMIM 609054.

Submission:

Labcorp Genetics (formerly Invitae), Labcorp
Classification: Likely pathogenic for Familial cancer of breast; Fanconi anemia complementation group J. Last evaluated: 2024-12-04. Review status: criteria provided, single submitter. Criteria: Invitae Variant Classification Sherloc (09022015). Collection method: clinical testing. Allele origin: germline.
Comment: This variant results in the deletion of part of exon 12 of the BRIP1 gene. It is expected to disrupt RNA splicing. Variants that disrupt the donor or acceptor splice site typically lead to a loss of protein function (PMID: 16199547), and loss-of-function variants in BRIP1 are known to be pathogenic (PMID: 16116423, 17033622, 21964575). This variant is not present in population databases (gnomAD no frequency). This variant has not been reported in the literature in individuals affected with BRIP1-related conditions. ClinVar contains an entry for this variant (Variation ID: 2081696). In summary, the currently available evidence indicates that the variant is pathogenic, but additional data are needed to prove that conclusively. Therefore, this variant has been classified as Likely Pathogenic.

Literature cited by the submitters: PubMed 16199547; PubMed 16116423; PubMed 17033622; PubMed 21964575.

NM_032043.3(BRIP1):c.1629-17_1652del

Gene: BRIP1 (BRCA1 interacting DNA helicase 1; minus strand). Cytogenetic location: 17q23.2.
Variant type: Deletion.
Coding change: c.1629-17_1652del on transcript NM_032043.3 (MANE Select); 17 bases into the intron before coding-DNA position 1629 through coding-DNA position 1652, 41 bases deleted.
Molecular consequence: splice acceptor variant.
Genome position (GRCh38, 1-based): chr17:61,780,982-61,781,022, 41 bases deleted; deleting any 41 consecutive bases within chr17:61,780,982-61,781,024 gives the same sequence; the c. name uses the placement nearest the transcript's 3' end. GRCh37 (hg19): chr17:59,858,345-59,858,385.
Identifiers: ClinVar variation 2081696 (VCV002081696.4), dbSNP rs2545031289, ClinGen allele CA2580094526.